The following is an entry in ClinVar:

ClinVar aggregate classification (germline): Conflicting classifications of pathogenicity. Review status: criteria provided, conflicting classifications (1 of 4 stars). 3 submissions from 3 submitters: Uncertain significance (2); Likely benign (1). Last evaluated 2025-10-21.

Conditions:
Malignant hyperthermia, susceptibility to, 5 (MHS5). Also called: CACNA1S-Related Malignant Hyperthermia Susceptibility. Identifiers: Orphanet 423, MedGen C1866077, MONDO:0011163, OMIM 601887.
Hypokalemic periodic paralysis, type 1. Also called: Hypokalemic Periodic Paralysis Type 1 (AD); HypoPP. Identifiers: Orphanet 681, MedGen C3714580, MONDO:0042979, OMIM 170400.

Allele frequency attached by ClinVar (database versions not stated): gnomAD 0.00001; gnomAD exomes 0.00001 and 0.00002; ExAC 0.00002; TOPMed 0.00002.

Submissions (3):

Labcorp Genetics (formerly Invitae), Labcorp
Classification: Likely benign for Hypokalemic periodic paralysis, type 1; Malignant hyperthermia, susceptibility to, 5. Last evaluated: 2025-10-21. Review status: criteria provided, single submitter. Criteria: Invitae Variant Classification Sherloc (09022015). Collection method: clinical testing. Allele origin: germline.

Color Diagnostics, LLC DBA Color Health
Classification: Uncertain significance for Malignant hyperthermia, susceptibility to, 5. Last evaluated: 2025-06-23. Review status: criteria provided, single submitter. Criteria: ACMG Guidelines, 2015. Collection method: clinical testing. Allele origin: germline.
Comment: This missense variant replaces valine with methionine at codon 237 of the CACNA1S protein. Computational prediction suggests that this variant may not impact protein structure and function. To our knowledge, functional studies have not been reported for this variant. This variant has not been reported in individuals affected with CACNA1S-related disorders in the literature. This variant has been identified in 5/281632 chromosomes in the general population by the Genome Aggregation Database (gnomAD). The available evidence is insufficient to determine the role of this variant in disease conclusively. Therefore, this variant is classified as a Variant of Uncertain Significance.

All of Us Research Program, National Institutes of Health
Classification: Uncertain significance for Malignant hyperthermia, susceptibility to, 5. Last evaluated: 2023-04-27. Review status: criteria provided, single submitter. Criteria: ACMG Guidelines, 2015. Collection method: clinical testing. Allele origin: germline. Inheritance: Autosomal dominant inheritance. Observed: 2 variant alleles, 2 heterozygotes.
Comment: This study involves interpretation of variants in research participants for the purpose of population health screening. Participant phenotype was not available at the time of variant classification. Additional details can be found in publication PMID: 35346344, PMCID: PMC8962531

NM_000069.3(CACNA1S):c.709G>A (p.Val237Met)

Gene: CACNA1S (calcium voltage-gated channel subunit alpha1 S; minus strand). Cytogenetic location: 1q32.1.
Variant type: single nucleotide variant.
Coding change: c.709G>A on transcript NM_000069.3 (MANE Select); coding-DNA position 709, G replaced by A.
Protein change: p.Val237Met; replaces valine 237 with methionine.
Molecular consequence: missense variant.
Genome position (GRCh38, 1-based): chr1:201,089,449, C>T on the plus strand (G>A on the coding strand, the complement: CACNA1S is on the minus strand). VCF-style: chr1-201089449-C-T. GRCh37 (hg19) VCF-style: chr1-201058577-C-T.
Other names: short protein forms V237M.
Identifiers: ClinVar variation 964498 (VCV000964498.8), dbSNP rs766892095, ClinGen allele CA083972.